The following is an entry in ClinVar:

NM_004333.6(BRAF):c.1178-860T>G

Gene: BRAF (B-Raf proto-oncogene, serine/threonine kinase; minus strand). Cytogenetic location: 7q34.
Variant type: single nucleotide variant.
Coding change: c.1178-860T>G on transcript NM_004333.6 (MANE Select); 860 bases into the intron before coding-DNA position 1178, T replaced by G.
Molecular consequence: intron variant.
Genome position (GRCh38, 1-based): chr7:140,784,017, A>C on the plus strand (T>G on the coding strand, the complement: BRAF is on the minus strand). VCF-style: chr7-140784017-A-C. GRCh37 (hg19) VCF-style: chr7-140483817-A-C.
Other names: c.1178-860T>G (NM_001378474.1, NM_001378468.1, NM_001354609.2); c.1076-860T>G (NM_001378470.1); c.914-860T>G (NM_001378475.1); c.1141-934T>G (NM_001378471.1); c.1298-860T>G (NM_001374258.1, NM_001374244.1); c.1187-860T>G (NM_001378467.1); c.1022-860T>G (NM_001378472.1, NM_001378473.1); c.1178-926T>G (NM_001378469.1).
Identifiers: ClinVar variation 2658029 (VCV002658029.24), dbSNP rs766432719, ClinGen allele CA168092184.
Genomic context (GRCh38, chr7:140,784,017, plus strand): 5'-TCTGTTGGCAGGGTTGCATACCTTTCTCATGGCAAACATCCTGAGTTAAGGTACAGTAGC[A>C]CCTGGTTCAGAAGAGTTCAGGGCAGTGAATCTTACTGGGGCCTGAATACAGCTGAGTAGA-3'

ClinVar aggregate classification (germline): Likely benign (1 of 4 stars; one submission).

Allele frequency attached by ClinVar (database versions not stated): 1000 Genomes Project 30x 0.00016; gnomAD 0.00017; TOPMed 0.00018.
gnomAD v4.1: 28 of 152,302 alleles (0.018%); highest among the groups gnomAD compares: Middle Eastern, 0.68%; 1 homozygote.

Submission:

CeGaT Center for Human Genetics Tuebingen
Classification: Likely benign. Last evaluated: 2026-08-01. Review status: criteria provided, single submitter. Criteria: CeGaT Center For Human Genetics Tuebingen Variant Classification Criteria Version 2. Collection method: clinical testing. Allele origin: germline. Affected: yes. Observed: 10 variant alleles.
Comment: BRAF: BS1